The following is an entry in ClinVar:

ClinVar aggregate classification (germline): Uncertain significance. Review status: criteria provided, multiple submitters, no conflicts (2 of 4 stars). 4 submissions from 4 submitters: Uncertain significance (4). Last evaluated 2025-08-24.

Conditions:
Hereditary cancer-predisposing syndrome. Also called: Neoplastic Syndromes, Hereditary; Hereditary Cancer Syndrome; Tumor predisposition; Hereditary neoplastic syndrome. Identifiers: Orphanet 140162, MedGen C0027672, MeSH D009386, MONDO:0015356.
Tuberous sclerosis syndrome (TSC). Also called: Tuberous sclerosis; Tuberous Sclerosis Complex. Identifiers: Orphanet 805, MedGen C0041341, MONDO:0001734.
Tuberous sclerosis 2 (TSC2). Identifiers: Orphanet 805, MedGen C1860707, MONDO:0013199, OMIM 613254.
Lymphangiomyomatosis (LAM). Also called: Lymphangioleiomyomatosis; Lymphangioleiomyomatosis, somatic. Identifiers: Orphanet 538, MedGen C0751674, MONDO:0011705, OMIM 606690.
Isolated focal cortical dysplasia type II (FCORD2). Also called: Focal cortical dysplasia type II; CORTICAL DYSPLASIA OF TAYLOR. Identifiers: Orphanet 268994, MedGen C1846385, MONDO:0011818, OMIM 607341, HP:0032051.

gnomAD v4.1: 3 of 1,614,218 alleles (0.00019%); highest among the groups gnomAD compares: Non-Finnish European, 0.00025%; no homozygotes.

Submissions (4):

Color Diagnostics, LLC DBA Color Health
Classification: Uncertain significance for Tuberous sclerosis syndrome. Last evaluated: 2025-08-24. Review status: criteria provided, single submitter. Criteria: ACMG Guidelines, 2015. Collection method: clinical testing. Allele origin: germline.
Comment: This missense variant replaces histidine with glutamine at codon 137 of the TSC2 protein. Computational prediction is inconclusive regarding the impact of this variant on protein structure and function. To our knowledge, functional studies have not been reported for this variant. This variant has not been reported in individuals affected with TSC2-related disorders in the literature. This variant has not been identified in the general population by the Genome Aggregation Database (gnomAD). The available evidence is insufficient to determine the role of this variant in disease conclusively. Therefore, this variant is classified as a Variant of Uncertain Significance.

Ambry Genetics
Classification: Uncertain significance for Hereditary cancer-predisposing syndrome. Last evaluated: 2025-08-01. Review status: criteria provided, single submitter. Criteria: Ambry Variant Classification Scheme 2023. Collection method: clinical testing. Allele origin: germline.
Comment: The p.H137Q variant (also known as c.411C>G), located in coding exon 4 of the TSC2 gene, results from a C to G substitution at nucleotide position 411. The histidine at codon 137 is replaced by glutamine, an amino acid with highly similar properties. This amino acid position is not well conserved in available vertebrate species. In addition, the in silico prediction for this alteration is inconclusive. Based on the available evidence, the clinical significance of this variant remains unclear.

Labcorp Genetics (formerly Invitae), Labcorp
Classification: Uncertain significance for Tuberous sclerosis 2. Last evaluated: 2024-09-19. Review status: criteria provided, single submitter. Criteria: Invitae Variant Classification Sherloc (09022015). Collection method: clinical testing. Allele origin: germline.
Comment: This sequence change replaces histidine, which is basic and polar, with glutamine, which is neutral and polar, at codon 137 of the TSC2 protein (p.His137Gln). This variant is not present in population databases (gnomAD no frequency). This variant has not been reported in the literature in individuals affected with TSC2-related conditions. ClinVar contains an entry for this variant (Variation ID: 1518879). Invitae Evidence Modeling of protein sequence and biophysical properties (such as structural, functional, and spatial information, amino acid conservation, physicochemical variation, residue mobility, and thermodynamic stability) indicates that this missense variant is not expected to disrupt TSC2 protein function with a negative predictive value of 95%. In summary, the available evidence is currently insufficient to determine the role of this variant in disease. Therefore, it has been classified as a Variant of Uncertain Significance.

Fulgent Genetics
Classification: Uncertain significance for Lymphangiomyomatosis; Isolated focal cortical dysplasia type II; Tuberous sclerosis 2. Last evaluated: 2021-12-15. Review status: criteria provided, single submitter. Criteria: ACMG Guidelines, 2015. Collection method: clinical testing. Allele origin: unknown.

NM_000548.5(TSC2):c.411C>G (p.His137Gln)

Gene: TSC2 (TSC complex subunit 2; plus strand). Cytogenetic location: 16p13.3.
Variant type: single nucleotide variant.
Coding change: c.411C>G on transcript NM_000548.5 (MANE Select); coding-DNA position 411, C replaced by G.
Protein change: p.His137Gln; replaces histidine 137 with glutamine.
Molecular consequence: missense variant. On other transcripts: intron variant (1).
Genome position (GRCh38, 1-based): chr16:2,054,370, C>G. VCF-style: chr16-2054370-C-G. GRCh37 (hg19) VCF-style: chr16-2104371-C-G.
Other names: c.411C>G, p.His137Gln (NM_001077183.3, NM_001114382.3, NM_001363528.2 and 3 more transcripts); c.300C>G, p.His100Gln (NM_001318827.2); c.264C>G, p.His88Gln (NM_001318829.2); c.444C>G, p.His148Gln (NM_001318832.2); c.-1-1826C>G (NM_001318831.2); short protein forms H148Q, H100Q, H137Q, H88Q.
Identifiers: ClinVar variation 1518879 (VCV001518879.12), dbSNP rs776129896, ClinGen allele CA394307086.